The following is an entry in ClinVar:

ClinVar aggregate classification (germline): Uncertain significance (1 of 4 stars; one submission).

Submission:

Labcorp Genetics (formerly Invitae), Labcorp
Classification: Uncertain significance. Last evaluated: 2023-03-12. Review status: criteria provided, single submitter. Criteria: Invitae Variant Classification Sherloc (09022015). Collection method: clinical testing. Allele origin: germline.
Comment: This sequence change falls in intron 14 of the IL12RB2 gene. It does not directly change the encoded amino acid sequence of the IL12RB2 protein. It affects a nucleotide within the consensus splice site. This variant is not present in population databases (gnomAD no frequency). This variant has not been reported in the literature in individuals affected with IL12RB2-related conditions. ClinVar contains an entry for this variant (Variation ID: 2036818). Variants that disrupt the consensus splice site are a relatively common cause of aberrant splicing (PMID: 17576681, 9536098). Algorithms developed to predict the effect of sequence changes on RNA splicing suggest that this variant may disrupt the consensus splice site. In summary, the available evidence is currently insufficient to determine the role of this variant in disease. Therefore, it has been classified as a Variant of Uncertain Significance.

Literature cited by the submitters: PubMed 17576681; PubMed 9536098.

NM_001374259.2(IL12RB2):c.1946+6T>C

Gene: IL12RB2 (interleukin 12 receptor subunit beta 2; plus strand). Cytogenetic location: 1p31.3.
Variant type: single nucleotide variant.
Coding change: c.1946+6T>C on transcript NM_001374259.2 (MANE Select); 6 bases into the intron after coding-DNA position 1946, T replaced by C.
Molecular consequence: intron variant.
Genome position (GRCh38, 1-based): chr1:67,386,675, T>C. VCF-style: chr1-67386675-T-C. GRCh37 (hg19) VCF-style: chr1-67852358-T-C.
Other names: c.1946+6T>C (NM_001258214.1, NM_001319233.1, NM_001559.3); c.1855+6552T>C (NM_001258216.1); c.1688+6T>C (NM_001258215.1).
Identifiers: ClinVar variation 2036818 (VCV002036818.4), dbSNP rs1665186805, ClinGen allele CA2580063196.